The following is an entry in ClinVar:

NM_002474.3(MYH11):c.4379A>G (p.Glu1460Gly)

Genes: MYH11 (myosin heavy chain 11; minus strand), NDE1 (nudE neurodevelopment protein 1; plus strand). Cytogenetic location: 16p13.11.
Variant type: single nucleotide variant.
Coding change: c.4379A>G on transcript NM_002474.3 (MANE Select); coding-DNA position 4379, A replaced by G.
Protein change: p.Glu1460Gly; replaces glutamic acid 1460 with glycine.
Molecular consequence: missense variant. On other transcripts: intron variant (2).
Genome position (GRCh38, 1-based): chr16:15,721,621, T>C on the plus strand (A>G on the coding strand, the complement: MYH11 is on the minus strand). VCF-style: chr16-15721621-T-C. GRCh37 (hg19) VCF-style: chr16-15815478-T-C.
Other names: c.4400A>G, p.Glu1467Gly (NM_001040113.2, NM_001040114.2); c.4379A>G, p.Glu1460Gly (NM_022844.3); c.948-2570T>C (NM_001143979.2, NM_017668.3); short protein forms E1467G, E1460G.
Identifiers: ClinVar variation 2902944 (VCV002902944.3), dbSNP rs774106226, ClinGen allele CA7921671.

ClinVar aggregate classification (germline): Uncertain significance (1 of 4 stars; one submission).

Conditions:
Aortic aneurysm, familial thoracic 4 (AAT4). Also called: AORTIC ANEURYSM/AORTIC DISSECTION AND PATENT DUCTUS ARTERIOSUS. Identifiers: MedGen C1851504, MONDO:0007568, OMIM 132900.

Allele frequency attached by ClinVar (database versions not stated): gnomAD exomes below 0.00001; ExAC 0.00001.
gnomAD v4.1: 2 of 1,614,172 alleles (0.00012%); highest among the groups gnomAD compares: Admixed American, 0.0033%; no homozygotes.

Submission:

Labcorp Genetics (formerly Invitae), Labcorp
Classification: Uncertain significance for Aortic aneurysm, familial thoracic 4. Last evaluated: 2023-12-31. Review status: criteria provided, single submitter. Criteria: Invitae Variant Classification Sherloc (09022015). Collection method: clinical testing. Allele origin: germline.
Comment: This sequence change replaces glutamic acid, which is acidic and polar, with glycine, which is neutral and non-polar, at codon 1467 of the MYH11 protein (p.Glu1467Gly). This variant is present in population databases (rs774106226, gnomAD 0.006%). This variant has not been reported in the literature in individuals affected with MYH11-related conditions. Advanced modeling of protein sequence and biophysical properties (such as structural, functional, and spatial information, amino acid conservation, physicochemical variation, residue mobility, and thermodynamic stability) performed at Invitae indicates that this missense variant is not expected to disrupt MYH11 protein function with a negative predictive value of 95%. In summary, the available evidence is currently insufficient to determine the role of this variant in disease. Therefore, it has been classified as a Variant of Uncertain Significance.